The following is an entry in ClinVar:

NM_002691.4(POLD1):c.376C>A (p.Arg126Ser)

Gene: POLD1 (DNA polymerase delta 1, catalytic subunit; plus strand). Cytogenetic location: 19q13.33.
Variant type: single nucleotide variant.
Coding change: c.376C>A on transcript NM_002691.4 (MANE Select); coding-DNA position 376, C replaced by A.
Protein change: p.Arg126Ser; replaces arginine 126 with serine.
Molecular consequence: missense variant. On other transcripts: non-coding transcript variant (1).
Genome position (GRCh38, 1-based): chr19:50,401,837, C>A. VCF-style: chr19-50401837-C-A. GRCh37 (hg19) VCF-style: chr19-50905094-C-A.
Other names: c.376C>A, p.Arg126Ser (NM_001256849.1, NM_001308632.1, NM_001438210.1 and 3 more transcripts); short protein forms R126S.
Identifiers: ClinVar variation 4668398 (VCV004668398.1).

ClinVar aggregate classification (germline): Uncertain significance (1 of 4 stars; one submission).

Conditions:
Hereditary cancer-predisposing syndrome. Also called: Neoplastic Syndromes, Hereditary; Tumor predisposition; Hereditary Cancer Syndrome; Hereditary neoplastic syndrome. Identifiers: Orphanet 140162, MedGen C0027672, MeSH D009386, MONDO:0015356.

Submission:

Ambry Genetics
Classification: Uncertain significance for Hereditary cancer-predisposing syndrome. Last evaluated: 2025-09-17. Review status: criteria provided, single submitter. Criteria: Ambry Variant Classification Scheme 2023. Collection method: clinical testing. Allele origin: germline.
Comment: The p.R126S variant (also known as c.376C>A), located in coding exon 3 of the POLD1 gene, results from a C to A substitution at nucleotide position 376. The arginine at codon 126 is replaced by serine, an amino acid with dissimilar properties. This amino acid position is conserved. In addition, the in silico prediction for this alteration is inconclusive. Based on the available evidence, the clinical significance of this variant remains unclear.